The following is an entry in ClinVar:

NC_000003.11:g.(?_93768230)_(93772107_?)dup

Gene: ARL13B (ARF like GTPase 13B; plus strand). Cytogenetic location: 3q11.1.
Variant type: Duplication.
Identifiers: ClinVar variation 1000791 (VCV001000791.5).

ClinVar aggregate classification (germline): Uncertain significance (1 of 4 stars; one submission).

Conditions:
Joubert syndrome 8 (JBTS8). Identifiers: Orphanet 475, MedGen C2676771, MONDO:0012855, OMIM 612291.

Submission:

Labcorp Genetics (formerly Invitae), Labcorp
Classification: Uncertain significance for Joubert syndrome 8. Last evaluated: 2022-10-13. Review status: criteria provided, single submitter. Criteria: Invitae Variant Classification Sherloc (09022015). Collection method: clinical testing. Allele origin: germline.
Comment: This variant results in a copy number gain of the genomic region encompassing exon(s) 8-10 of the ARL13B gene. This region includes the termination codon of the gene. This copy number gain extends beyond the assayed region for this gene and therefore may encompass additional genes. As the precise location of this event is unknown, it may be in tandem or it may be located elsewhere in the genome. This variant has not been reported in the literature in individuals affected with ARL13B-related conditions. Experimental studies and prediction algorithms are not available or were not evaluated, and the functional significance of this variant is currently unknown. In summary, the available evidence is currently insufficient to determine the role of this variant in disease. Therefore, it has been classified as a Variant of Uncertain Significance.